The following is an entry in ClinVar:

NM_012470.4(TNPO3):c.2081T>C (p.Val694Ala)

Gene: TNPO3 (transportin 3; minus strand). Cytogenetic location: 7q32.1.
Variant type: single nucleotide variant.
Coding change: c.2081T>C on transcript NM_012470.4 (MANE Select); coding-DNA position 2081, T replaced by C.
Protein change: p.Val694Ala; replaces valine 694 with alanine.
Molecular consequence: missense variant. On other transcripts: non-coding transcript variant (18).
Genome position (GRCh38, 1-based): chr7:128,975,916, A>G on the plus strand (T>C on the coding strand, the complement: TNPO3 is on the minus strand). VCF-style: chr7-128975916-A-G. GRCh37 (hg19) VCF-style: chr7-128615970-A-G.
Other names: c.1889T>C, p.Val630Ala (NM_001191028.3, NM_001382223.1); c.2183T>C, p.Val728Ala (NM_001382216.1); c.2162T>C, p.Val721Ala (NM_001382217.1); c.2081T>C, p.Val694Ala (NM_001382218.1); c.1973T>C, p.Val658Ala (NM_001382219.1); c.1940T>C, p.Val647Ala (NM_001382220.1); c.1937T>C, p.Val646Ala (NM_001382221.1); c.1934T>C, p.Val645Ala (NM_001382222.1); short protein forms V630A, V645A, V646A, V647A, V658A, V694A, V721A, V728A.
Identifiers: ClinVar variation 3623565 (VCV003623565.2).

ClinVar aggregate classification (germline): Uncertain significance (1 of 4 stars; one submission).

Conditions:
Autosomal dominant limb-girdle muscular dystrophy type 1F (LGMDD2). Also called: Limb-girdle muscular dystrophy, type 1F; MUSCULAR DYSTROPHY, LIMB-GIRDLE, AUTOSOMAL DOMINANT 2. Identifiers: Orphanet 55595, MedGen C1842062, MONDO:0012034, OMIM 608423.

gnomAD v4.1: 21 of 1,613,142 alleles (0.0013%); highest among the groups gnomAD compares: Admixed American, 0.033%; no homozygotes.

Submission:

Labcorp Genetics (formerly Invitae), Labcorp
Classification: Uncertain significance for Autosomal dominant limb-girdle muscular dystrophy type 1F. Last evaluated: 2024-09-14. Review status: criteria provided, single submitter. Criteria: Invitae Variant Classification Sherloc (09022015). Collection method: clinical testing. Allele origin: germline.
Comment: This sequence change replaces valine, which is neutral and non-polar, with alanine, which is neutral and non-polar, at codon 694 of the TNPO3 protein (p.Val694Ala). This variant is present in population databases (no rsID available, gnomAD 0.01%). This variant has not been reported in the literature in individuals affected with TNPO3-related conditions. Invitae Evidence Modeling of protein sequence and biophysical properties (such as structural, functional, and spatial information, amino acid conservation, physicochemical variation, residue mobility, and thermodynamic stability) indicates that this missense variant is not expected to disrupt TNPO3 protein function with a negative predictive value of 80%. In summary, the available evidence is currently insufficient to determine the role of this variant in disease. Therefore, it has been classified as a Variant of Uncertain Significance.